The following is an entry in ClinVar:

NC_000002.11:g.(?_96930866)_(96931137_?)del

Gene: TMEM127 (transmembrane protein 127; minus strand). Cytogenetic location: 2q11.2.
Variant type: Deletion.
Identifiers: ClinVar variation 1458727 (VCV001458727.4).

ClinVar aggregate classification (germline): Pathogenic (1 of 4 stars; one submission).

Conditions:
Hereditary pheochromocytoma and paraganglioma. Also called: Hereditary paragangliomas and pheochromocytomas; Hereditary Paraganglioma-Pheochromocytoma Syndromes; Hereditary pheochromocytoma-paraganglioma. Identifiers: Orphanet 29072, MedGen C4274332, MONDO:0017366.

Submission:

Labcorp Genetics (formerly Invitae), Labcorp
Classification: Pathogenic for Hereditary pheochromocytoma and paraganglioma. Last evaluated: 2021-04-08. Review status: criteria provided, single submitter. Criteria: Invitae Variant Classification Sherloc (09022015). Collection method: clinical testing. Allele origin: germline.
Comment: For these reasons, this variant has been classified as Pathogenic. This variant has not been reported in the literature in individuals with TMEM127-related conditions. This variant is a gross deletion of the genomic region encompassing exon(s) 2 of the TMEM127 gene, which includes the initiator codon. The 5' end of this event is unknown as it extends beyond the assayed region for this gene and therefore may encompass additional genes. The 3' boundary is likely confined to intron 2 of the TMEM127 gene. It is expected to result in an absent or disrupted protein product. Loss-of-function variants in TMEM127 are known to be pathogenic (PMID: 20154675, 21156949).

Literature cited by the submitters: PubMed 20154675; PubMed 21156949.